The following is an entry in ClinVar:

ClinVar aggregate classification (germline): Uncertain significance (1 of 4 stars; one submission).

gnomAD v4.1: 7 of 1,606,124 alleles (0.00044%); highest among the groups gnomAD compares: African/African-American, 0.004%; no homozygotes.

Submission:

Labcorp Genetics (formerly Invitae), Labcorp
Classification: Uncertain significance. Last evaluated: 2022-08-16. Review status: criteria provided, single submitter. Criteria: Invitae Variant Classification Sherloc (09022015). Collection method: clinical testing. Allele origin: germline.
Comment: In summary, the available evidence is currently insufficient to determine the role of this variant in disease. Therefore, it has been classified as a Variant of Uncertain Significance. Algorithms developed to predict the effect of missense changes on protein structure and function are either unavailable or do not agree on the potential impact of this missense change (SIFT: "Deleterious"; PolyPhen-2: "Probably Damaging"; Align-GVGD: "Class C0"). This variant has not been reported in the literature in individuals affected with PROM1-related conditions. This variant is present in population databases (no rsID available, gnomAD 0.001%). This sequence change replaces threonine, which is neutral and polar, with isoleucine, which is neutral and non-polar, at codon 468 of the PROM1 protein (p.Thr468Ile).

NM_006017.3(PROM1):c.1403C>T (p.Thr468Ile)

Gene: PROM1 (prominin 1; minus strand). Cytogenetic location: 4p15.32.
Variant type: single nucleotide variant.
Coding change: c.1403C>T on transcript NM_006017.3 (MANE Select); coding-DNA position 1403, C replaced by T.
Protein change: p.Thr468Ile; replaces threonine 468 with isoleucine.
Molecular consequence: missense variant.
Genome position (GRCh38, 1-based): chr4:16,006,589, G>A on the plus strand (C>T on the coding strand, the complement: PROM1 is on the minus strand). VCF-style: chr4-16006589-G-A. GRCh37 (hg19) VCF-style: chr4-16008212-G-A.
Other names: c.1376C>T, p.Thr459Ile (NM_001145847.2, NM_001145848.2, NM_001145851.2 and 4 more transcripts); c.1403C>T, p.Thr468Ile (NM_001145849.2, NM_001145850.2); short protein forms T459I, T468I.
Identifiers: ClinVar variation 2103679 (VCV002103679.4), dbSNP rs1052124932, ClinGen allele CA356435246.